The following is an entry in ClinVar:

NM_001370259.2(MEN1):c.472G>A (p.Ala158Thr)

Gene: MEN1 (menin 1; minus strand). Cytogenetic location: 11q13.1.
Variant type: single nucleotide variant.
Coding change: c.472G>A on transcript NM_001370259.2 (MANE Select); coding-DNA position 472, G replaced by A.
Protein change: p.Ala158Thr; replaces alanine 158 with threonine.
Molecular consequence: missense variant.
Genome position (GRCh38, 1-based): chr11:64,808,073, C>T on the plus strand (G>A on the coding strand, the complement: MEN1 is on the minus strand). VCF-style: chr11-64808073-C-T. GRCh37 (hg19) VCF-style: chr11-64575545-C-T.
Other names: c.487G>A, p.Ala163Thr (NM_000244.4, NM_130800.3, NM_130801.3 and 3 more transcripts); c.472G>A, p.Ala158Thr (NM_001370251.2, NM_001370260.2, NM_001370261.2 and 3 more transcripts); c.472G>A (NM_130799.2); short protein forms A158T, A163T.
Identifiers: ClinVar variation 1052907 (VCV001052907.14), dbSNP rs1421808873, ClinGen allele CA381186223.

ClinVar aggregate classification (germline): Uncertain significance. Review status: criteria provided, multiple submitters, no conflicts (2 of 4 stars). 2 submissions from 2 submitters: Uncertain significance (2). Last evaluated 2026-04-22.

Conditions:
Hereditary cancer-predisposing syndrome. Also called: Hereditary neoplastic syndrome; Neoplastic Syndromes, Hereditary; Tumor predisposition; Hereditary Cancer Syndrome. Identifiers: Orphanet 140162, MedGen C0027672, MeSH D009386, MONDO:0015356.
Multiple endocrine neoplasia, type 1 (MEN1). Also called: MEA I; MEN I; WERMER SYNDROME; Endocrine adenomatosis multiple; MEN 1. Identifiers: Orphanet 652, MedGen C0025267, MeSH D018761, MONDO:0007540, OMIM 131100.

Allele frequency attached by ClinVar (database versions not stated): TOPMed below 0.00001.

Submissions (2):

Ambry Genetics
Classification: Uncertain significance for Hereditary cancer-predisposing syndrome. Last evaluated: 2026-04-22. Review status: criteria provided, single submitter. Criteria: Ambry Variant Classification Scheme 2023. Collection method: clinical testing. Allele origin: germline.
Comment: The p.A158T variant (also known as c.472G>A), located in coding exon 2 of the MEN1 gene, results from a G to A substitution at nucleotide position 472. The alanine at codon 158 is replaced by threonine, an amino acid with similar properties. This amino acid position is highly conserved in available vertebrate species. In addition, this alteration is predicted to be deleterious by in silico analysis. Based on the available evidence, the clinical significance of this variant remains unclear.

Labcorp Genetics (formerly Invitae), Labcorp
Classification: Uncertain significance for Multiple endocrine neoplasia, type 1. Last evaluated: 2025-09-28. Review status: criteria provided, single submitter. Criteria: Invitae Variant Classification Sherloc (09022015). Collection method: clinical testing. Allele origin: germline.
Comment: This sequence change replaces alanine, which is neutral and non-polar, with threonine, which is neutral and polar, at codon 158 of the MEN1 protein (p.Ala158Thr). This variant is not present in population databases (gnomAD no frequency). This variant has not been reported in the literature in individuals affected with MEN1-related conditions. ClinVar contains an entry for this variant (Variation ID: 1052907). Invitae Evidence Modeling of protein sequence and biophysical properties (such as structural, functional, and spatial information, amino acid conservation, physicochemical variation, residue mobility, and thermodynamic stability) indicates that this missense variant is expected to disrupt MEN1 protein function with a positive predictive value of 80%. In summary, the available evidence is currently insufficient to determine the role of this variant in disease. Therefore, it has been classified as a Variant of Uncertain Significance.